The following is an entry in ClinVar:

NM_181507.2(HPS5):c.1784+1_1784+11del

Gene: HPS5 (HPS5 biogenesis of lysosomal organelles complex 2 subunit 2; minus strand). Cytogenetic location: 11p15.1.
Variant type: Deletion.
Coding change: c.1784+1_1784+11del on transcript NM_181507.2 (MANE Select); the canonical splice donor site of the intron after coding-DNA position 1784 through 11 bases into the intron after coding-DNA position 1784, 11 bases deleted (GTAAGCCCTTA).
Molecular consequence: splice donor variant.
Genome position (GRCh38, 1-based): chr11:18,295,009-18,295,019, TAAGGGCTTAC deleted on the plus strand (GTAAGCCCTTA on the coding strand, the reverse complement: HPS5 is on the minus strand); deleting any 11 consecutive bases within chr11:18,295,009-18,295,020 gives the same sequence; the c. name uses the placement nearest the transcript's 3' end. VCF-style (leftmost placement, unchanged base first): chr11-18295008-GTAAGGGCTTAC-G. GRCh37 (hg19) VCF-style: chr11-18316555-GTAAGGGCTTAC-G.
Other names: c.1370+1_1370+11del (NM_001440929.1, NM_001440928.1, NM_001440927.1); c.1442+1_1442+11del (NM_181508.2, NM_001440921.1, NM_001440926.1 and 7 more transcripts); c.1673+1_1673+11del (NM_001440915.1, NM_001440914.1, NM_001440913.1); c.1784+1_1784+11del (NM_001440931.1, NM_001440917.1, NM_001440906.1 and 5 more transcripts); c.1709+1_1709+11del (NM_001440907.1, NM_001440909.1, NM_001440908.1); c.1571+1_1571+11del (NM_001440919.1); c.1598+1_1598+11del (NM_001440918.1).
Identifiers: ClinVar variation 2994525 (VCV002994525.3), dbSNP rs775141512, ClinGen allele CA5910012.

ClinVar aggregate classification (germline): Likely pathogenic (1 of 4 stars; one submission).

Submission:

Labcorp Genetics (formerly Invitae), Labcorp
Classification: Likely pathogenic. Last evaluated: 2023-07-28. Review status: criteria provided, single submitter. Criteria: Invitae Variant Classification Sherloc (09022015). Collection method: clinical testing. Allele origin: germline.
Comment: In summary, the currently available evidence indicates that the variant is pathogenic, but additional data are needed to prove that conclusively. Therefore, this variant has been classified as Likely Pathogenic. Algorithms developed to predict the effect of sequence changes on RNA splicing suggest that this variant may disrupt the consensus splice site. This variant has not been reported in the literature in individuals affected with HPS5-related conditions. This variant is present in population databases (rs775141512, gnomAD 0.007%). This sequence change affects a splice site in intron 14 of the HPS5 gene. It is expected to disrupt RNA splicing. Variants that disrupt the donor or acceptor splice site typically lead to a loss of protein function (PMID: 16199547), and loss-of-function variants in HPS5 are known to be pathogenic (PMID: 12548288, 15296495, 21833017, 26785811).

Literature cited by the submitters: PubMed 16199547; PubMed 12548288; PubMed 15296495; PubMed 21833017; PubMed 26785811.